The following is an entry in ClinVar:

NM_152906.7(TANGO2):c.711-3C>G

Gene: TANGO2 (transport and golgi organization 2 homolog; plus strand). Cytogenetic location: 22q11.21.
Variant type: single nucleotide variant.
Coding change: c.711-3C>G on transcript NM_152906.7 (MANE Select); 3 bases into the intron before coding-DNA position 711, C replaced by G.
Molecular consequence: intron variant.
Genome position (GRCh38, 1-based): chr22:20,064,539, C>G. VCF-style: chr22-20064539-C-G. GRCh37 (hg19) VCF-style: chr22-20052062-C-G.
Other names: IVS8, C-G, -3; c.711-3C>G (NM_001283106.3, NM_001283116.3); c.525-3C>G (NM_001322163.2, NM_001283179.3, NM_001322167.2 and 2 more transcripts); c.417-3C>G (NM_001322174.2, NM_001322172.2, NM_001322175.2 and 3 more transcripts); c.607-3C>G (NM_001322160.2); c.834-3C>G (NM_001322143.2, NM_001283129.3); c.609-3C>G (NM_001322148.2, NM_001322149.2); c.648-3C>G (NM_001322145.2, NM_001322147.2); and 10 more.
Identifiers: ClinVar variation 432207 (VCV000432207.13), dbSNP rs367912276, ClinGen allele CA10106557.

ClinVar aggregate classification (germline): Pathogenic/Likely pathogenic. Review status: criteria provided, multiple submitters, no conflicts (2 of 4 stars). 4 submissions from 4 submitters: Pathogenic (1); Likely pathogenic (2). 1 of the submissions does not count toward it. Last evaluated 2024-09-13.

Conditions:
Recurrent metabolic encephalomyopathic crises-rhabdomyolysis-cardiac arrhythmia-intellectual disability syndrome (MECRCN). Also called: METABOLIC CRISES, RECURRENT, WITH RHABDOMYOLYSIS, CARDIAC ARRHYTHMIAS, AND NEURODEGENERATION; Metabolic encephalomyopathic crises, recurrent, with rhabdomyolysis, cardiac arrhythmias, and neurodegeneration; TANGO2 Deficiency. Identifiers: Orphanet 480864, MedGen C5567524, MONDO:0018820, OMIM 616878.

Allele frequency attached by ClinVar (database versions not stated): gnomAD 0.00001; ExAC 0.00002; gnomAD exomes 0.00002 and 0.00003; TOPMed 0.00002; ESP Exome Variant Server 0.00008.

Submissions (4):

Labcorp Genetics (formerly Invitae), Labcorp
Classification: Pathogenic. Last evaluated: 2024-09-13. Review status: criteria provided, single submitter. Criteria: Invitae Variant Classification Sherloc (09022015). Collection method: clinical testing. Allele origin: germline.
Comment: This sequence change falls in intron 8 of the TANGO2 gene. It does not directly change the encoded amino acid sequence of the TANGO2 protein. It affects a nucleotide within the consensus splice site. This variant is present in population databases (rs367912276, gnomAD 0.004%). This variant has been observed in individual(s) with TANGO2-related conditions (PMID: 30245509, 31276219). In at least one individual the data is consistent with being in trans (on the opposite chromosome) from a pathogenic variant. It has also been observed to segregate with disease in related individuals. ClinVar contains an entry for this variant (Variation ID: 432207). Variants that disrupt the consensus splice site are a relatively common cause of aberrant splicing (PMID: 17576681, 9536098). Algorithms developed to predict the effect of sequence changes on RNA splicing suggest that this variant may disrupt the consensus splice site. For these reasons, this variant has been classified as Pathogenic.

Broad Center for Mendelian Genomics, Broad Institute of MIT and Harvard
Classification: Likely pathogenic for Recurrent metabolic encephalomyopathic crises-rhabdomyolysis-cardiac arrhythmia-intellectual disability syndrome. Last evaluated: 2021-05-21. Review status: criteria provided, single submitter. Criteria: ACMG Guidelines, 2015. Collection method: curation. Allele origin: germline. Inheritance: Autosomal recessive inheritance.
Comment: The c.711-3C>G variant in TANGO2 has been reported in 5 European individuals with metabolic encephalomyopathic crises, recurrent, with rhabdomyolysis, cardiac arrhythmias, and neurodegeneration (MECRCN) (PMID: 30245509, 31276219) and has been identified in in 0.004% (5/113352) of European (Non-Finnish) chromosomes by the Genome Aggregation Database (gnomAD; dbSNP ID: rs367912276). Although this variant has been seen in the general population in a heterozygous state, its frequency is low enough to be consistent with a recessive carrier frequency. This variant has also been reported in ClinVar (Variation ID#: 432207) and has been interpreted as likely pathogenic by GeneDx. Of the 5 affected individuals, 3 siblings were compound heterozygotes that carried a reported pathogenic variant in trans, which increases the likelihood that the c.711-3C>G variant is pathogenic (VariationID: 224770; PMID: 30245509). Computational prediction tools and conservation analyses suggest that this variant may impact the protein, though this information is not predictive enough to determine pathogenicity. In summary, although additional studies are required to fully establish its clinical significance, this variant is likely pathogenic for autosomal recessive MECRCN. ACMG/AMP Criteria applied: PM2_supporting, PP1_moderate, PM3, PP3 (Richards 2015).

GeneDx
Classification: Likely pathogenic. Last evaluated: 2016-07-27. Review status: criteria provided, single submitter. Criteria: GeneDx Variant Classification (06012015). Collection method: clinical testing. Allele origin: germline. Affected: yes.
Comment: The c.711-3C>G variant in the TANGO2 gene has not been reported previously as a pathogenic variant nor as a benign variant, to our knowledge. This splice site variant destroys the canonical splice acceptor site in intron 8. It is predicted to cause abnormal gene splicing, either leading to an abnormal message that is subject to nonsense-mediated mRNA decay, or to an abnormal protein product if the message is used for protein translation. The c.711-3C>G variant was not observed with any significant frequency in approximately 6,500 individuals of European and African American ancestry in the NHLBI Exome Sequencing Project, indicating it is not a common benign variant in these populations. We interpret c.711-3C>G as a likely pathogenic variant.

OMIM
Classification: Pathogenic for METABOLIC CRISES, RECURRENT, WITH RHABDOMYOLYSIS, CARDIAC ARRHYTHMIAS, AND NEURODEGENERATION. Last evaluated: 2023-01-27. Review status: no assertion criteria provided. Collection method: literature only. Allele origin: germline. Not counted in ClinVar's aggregate classification.

Literature cited by the submitters: PubMed 30245509 (cited by Labcorp Genetics (formerly Invitae), Labcorp and OMIM); PubMed 31276219 (cited by Labcorp Genetics (formerly Invitae), Labcorp and OMIM); PubMed 17576681 (cited by Labcorp Genetics (formerly Invitae), Labcorp); PubMed 9536098 (cited by Labcorp Genetics (formerly Invitae), Labcorp).